The following is an entry in ClinVar:

ClinVar aggregate classification (germline): Likely benign. Review status: criteria provided, multiple submitters, no conflicts (2 of 4 stars). 2 submissions from 2 submitters: Likely benign (2). Last evaluated 2025-09-19.

Conditions:
MCM3AP-related disorder. Also called: MCM3AP-related condition.

Submissions (2):

Labcorp Genetics (formerly Invitae), Labcorp
Classification: Likely benign. Last evaluated: 2025-09-19. Review status: criteria provided, single submitter. Criteria: Invitae Variant Classification Sherloc (09022015). Collection method: clinical testing. Allele origin: germline.

PreventionGenetics, part of Exact Sciences
Classification: Likely benign for MCM3AP-related condition. Last evaluated: 2025-01-24. Review status: criteria provided, single submitter. Criteria: ACMG Guidelines, 2015. Collection method: clinical testing. Allele origin: germline.
Comment: This variant is classified as likely benign based on ACMG/AMP sequence variant interpretation guidelines (Richards et al. 2015 PMID: 25741868, with internal and published modifications).

NM_003906.5(MCM3AP):c.1668-9A>C

Gene: MCM3AP (minichromosome maintenance complex component 3 associated protein; minus strand). Cytogenetic location: 21q22.3.
Variant type: single nucleotide variant.
Coding change: c.1668-9A>C on transcript NM_003906.5 (MANE Select); 9 bases into the intron before coding-DNA position 1668, A replaced by C.
Molecular consequence: intron variant.
Genome position (GRCh38, 1-based): chr21:46,277,726, T>G on the plus strand (A>C on the coding strand, the complement: MCM3AP is on the minus strand). VCF-style: chr21-46277726-T-G. GRCh37 (hg19) VCF-style: chr21-47697640-T-G.
Other names: c.1668-9A>C (NM_003906.4).
Identifiers: ClinVar variation 4724438 (VCV004724438.2).